The following is an entry in ClinVar:

NM_004655.4(AXIN2):c.337G>A (p.Ala113Thr)

Gene: AXIN2 (axin 2; minus strand). Cytogenetic location: 17q24.1.
Variant type: single nucleotide variant.
Coding change: c.337G>A on transcript NM_004655.4 (MANE Select); coding-DNA position 337, G replaced by A.
Protein change: p.Ala113Thr; replaces alanine 113 with threonine.
Molecular consequence: missense variant.
Genome position (GRCh38, 1-based): chr17:65,558,284, C>T on the plus strand (G>A on the coding strand, the complement: AXIN2 is on the minus strand). VCF-style: chr17-65558284-C-T. GRCh37 (hg19) VCF-style: chr17-63554402-C-T.
Other names: c.337G>A, p.Ala113Thr (NM_001363813.1); short protein forms A113T.
Identifiers: ClinVar variation 2129170 (VCV002129170.4), dbSNP rs2044303762, ClinGen allele CA400681618.

ClinVar aggregate classification (germline): Uncertain significance (1 of 4 stars; one submission).

Conditions:
Oligodontia-cancer predisposition syndrome. Also called: TOOTH AGENESIS-COLORECTAL CANCER SYNDROME. Identifiers: Orphanet 300576, MedGen C1837750, MONDO:0012075, OMIM 608615. Disease mechanism: loss of function.

Allele frequency attached by ClinVar (database versions not stated): TOPMed below 0.00001; gnomAD 0.00001.
gnomAD v4.1: 1 of 1,614,008 alleles (0.000062%); highest among the groups gnomAD compares: African/African-American, 0.0013%; no homozygotes.

Submission:

Labcorp Genetics (formerly Invitae), Labcorp
Classification: Uncertain significance for Oligodontia-cancer predisposition syndrome. Last evaluated: 2023-06-23. Review status: criteria provided, single submitter. Criteria: Invitae Variant Classification Sherloc (09022015). Collection method: clinical testing. Allele origin: germline.
Comment: This sequence change replaces alanine, which is neutral and non-polar, with threonine, which is neutral and polar, at codon 113 of the AXIN2 protein (p.Ala113Thr). This variant is not present in population databases (gnomAD no frequency). This variant has not been reported in the literature in individuals affected with AXIN2-related conditions. ClinVar contains an entry for this variant (Variation ID: 2129170). Advanced modeling of protein sequence and biophysical properties (such as structural, functional, and spatial information, amino acid conservation, physicochemical variation, residue mobility, and thermodynamic stability) performed at Invitae indicates that this missense variant is expected to disrupt AXIN2 protein function. In summary, the available evidence is currently insufficient to determine the role of this variant in disease. Therefore, it has been classified as a Variant of Uncertain Significance.